The following is an entry in ClinVar:

NM_001001331.4(ATP2B2):c.1353G>A (p.Leu451=)

Gene: ATP2B2 (ATPase plasma membrane Ca2+ transporting 2; minus strand). Cytogenetic location: 3p25.3.
Variant type: single nucleotide variant.
Coding change: c.1353G>A on transcript NM_001001331.4 (MANE Select); coding-DNA position 1353, G replaced by A.
Protein change: p.Leu451=; no amino-acid change (leucine 451 retained).
Molecular consequence: synonymous variant.
Genome position (GRCh38, 1-based): chr3:10,375,493, C>T on the plus strand (G>A on the coding strand, the complement: ATP2B2 is on the minus strand). VCF-style: chr3-10375493-C-T. GRCh37 (hg19) VCF-style: chr3-10417177-C-T.
Other names: c.1218G>A, p.Leu406= (NM_001330611.3, NM_001353564.1, NM_001363862.1 and 1 more transcripts).
Identifiers: ClinVar variation 804482 (VCV000804482.23), dbSNP rs139459100, ClinGen allele CA2253689.

ClinVar aggregate classification (germline): Benign/Likely benign. Review status: criteria provided, multiple submitters, no conflicts (2 of 4 stars). 4 submissions from 4 submitters: Benign (3); Likely benign (1). Last evaluated 2026-05-01.

Allele frequency attached by ClinVar (database versions not stated): 1000 Genomes Project 0.00040; 1000 Genomes Project 30x 0.00047; gnomAD 0.00120 and 0.00128; TOPMed 0.00136; ESP Exome Variant Server 0.00154; ExAC 0.00171.
gnomAD v4.1: 2,165 of 1,613,702 alleles (0.13%); highest among the groups gnomAD compares: Middle Eastern, 1.5%; 12 homozygotes.

Submissions (4):

CeGaT Center for Human Genetics Tuebingen
Classification: Likely benign. Last evaluated: 2026-05-01. Review status: criteria provided, single submitter. Criteria: CeGaT Center For Human Genetics Tuebingen Variant Classification Criteria Version 2. Collection method: clinical testing. Allele origin: germline. Affected: yes. Observed: 3 variant alleles.
Comment: ATP2B2: BP4, BS1

Labcorp Genetics (formerly Invitae), Labcorp
Classification: Benign. Last evaluated: 2026-01-13. Review status: criteria provided, single submitter. Criteria: Invitae Variant Classification Sherloc (09022015). Collection method: clinical testing. Allele origin: germline.

Athena Diagnostics
Classification: Benign. Last evaluated: 2018-12-05. Review status: criteria provided, single submitter. Criteria: Athena Diagnostics Criteria. Collection method: clinical testing. Allele origin: germline.

Breakthrough Genomics
Classification: Benign. Review status: criteria provided, single submitter. Criteria: ACMG Guidelines, 2015. Collection method: not provided. Allele origin: germline. Inheritance: Autosomal recessive inheritance. Affected: yes.